The following is an entry in ClinVar:

NM_025099.6(CTC1):c.225T>C (p.Thr75=)

Gene: CTC1 (CST telomere replication complex component 1; minus strand). Cytogenetic location: 17p13.1.
Variant type: single nucleotide variant.
Coding change: c.225T>C on transcript NM_025099.6 (MANE Select); coding-DNA position 225, T replaced by C.
Protein change: p.Thr75=; no amino-acid change (threonine 75 retained).
Molecular consequence: synonymous variant. On other transcripts: non-coding transcript variant (1).
Genome position (GRCh38, 1-based): chr17:8,238,602, A>G on the plus strand (T>C on the coding strand, the complement: CTC1 is on the minus strand). VCF-style: chr17-8238602-A-G. GRCh37 (hg19) VCF-style: chr17-8141920-A-G.
Other names: c.225T>C, p.Thr75= (NM_001411067.1).
Identifiers: ClinVar variation 1691961 (VCV001691961.6), dbSNP rs761598220, ClinGen allele CA497783448.

ClinVar aggregate classification (germline): Likely benign. Review status: criteria provided, multiple submitters, no conflicts (2 of 4 stars). 4 submissions from 4 submitters: Likely benign (4). Last evaluated 2026-04-14.

Conditions:
Dyskeratosis congenita. Identifiers: Orphanet 1775, MedGen C0265965, MONDO:0015780.
CTC1-related disorder. Also called: CTC1-related condition.

gnomAD v4.1: 2 of 1,611,494 alleles (0.00012%); highest among the groups gnomAD compares: Admixed American, 0.0033%; no homozygotes.

Submissions (4):

PreventionGenetics, part of Exact Sciences
Classification: Likely benign for CTC1-related condition. Last evaluated: 2026-04-14. Review status: criteria provided, single submitter. Criteria: ACMG Guidelines, 2015. Collection method: clinical testing. Allele origin: germline.
Comment: This variant is classified as likely benign based on ACMG/AMP sequence variant interpretation guidelines (Richards et al. 2015 PMID: 25741868, with internal and published modifications).

Labcorp Genetics (formerly Invitae), Labcorp
Classification: Likely benign for Dyskeratosis congenita. Last evaluated: 2025-08-16. Review status: criteria provided, single submitter. Criteria: Invitae Variant Classification Sherloc (09022015). Collection method: clinical testing. Allele origin: germline.

Sema4
Classification: Likely benign for Dyskeratosis congenita. Last evaluated: 2021-02-24. Review status: criteria provided, single submitter. Criteria: Sema4 Curation Guidelines. Collection method: curation. Allele origin: germline.

Breakthrough Genomics
Classification: Likely benign. Review status: criteria provided, single submitter. Criteria: ACMG Guidelines, 2015. Collection method: not provided. Allele origin: germline. Inheritance: Autosomal recessive inheritance. Affected: yes.